The following is an entry in ClinVar:

NM_002495.4(NDUFS4):c.350+296dup

Gene: NDUFS4 (NADH:ubiquinone oxidoreductase subunit S4; plus strand). Cytogenetic location: 5q11.2.
Variant type: Duplication.
Coding change: c.350+296dup on transcript NM_002495.4 (MANE Select); 296 bases into the intron after coding-DNA position 350, one base duplicated (C; older notation c.350+296dupC).
Molecular consequence: intron variant.
Genome position (GRCh38, 1-based): chr5:53,646,701, C duplicated; the last of 6 consecutive C bases (chr5:53,646,696-53,646,701); duplicating any one gives the same sequence. VCF-style (leftmost placement, unchanged base first): chr5-53646695-T-TC. GRCh37 (hg19) VCF-style: chr5-52942525-T-TC.
Other names: c.350+296dup (NM_001318051.2).
Identifiers: ClinVar variation 669915 (VCV000669915.1), dbSNP rs66498014, ClinGen allele CA119135670.
Genomic context (GRCh38, chr5:53,646,695, plus strand): 5'-AGATAAAAATGACTGAATTTCAGAGCACTGTTATGGAACTCAAAGCTATGTATACAGCAG[T>TC]CCCCCCTTATCTGCAGTTTTGCTTTCTACGGTTTCAGTTATCCGATGGACAGTACAATAA-3'

ClinVar aggregate classification (germline): Benign (1 of 4 stars; one submission).

Submission:

GeneDx
Classification: Benign. Last evaluated: 2018-06-14. Review status: criteria provided, single submitter. Criteria: GeneDx Variant Classification (06012015). Collection method: clinical testing. Allele origin: germline. Affected: yes.
Comment: This variant is considered likely benign or benign based on one or more of the following criteria: it is a conservative change, it occurs at a poorly conserved position in the protein, it is predicted to be benign by multiple in silico algorithms, and/or has population frequency not consistent with disease.